The following is an entry in ClinVar:

NM_000179.3(MSH6):c.3936T>C (p.Val1312=)

Gene: MSH6 (mutS homolog 6; plus strand). Cytogenetic location: 2p16.3.
Variant type: single nucleotide variant.
Coding change: c.3936T>C on transcript NM_000179.3 (MANE Select); coding-DNA position 3936, T replaced by C.
Protein change: p.Val1312=; no amino-acid change (valine 1312 retained).
Molecular consequence: synonymous variant.
Genome position (GRCh38, 1-based): chr2:47,806,586, T>C. VCF-style: chr2-47806586-T-C. GRCh37 (hg19) VCF-style: chr2-48033725-T-C.
Other names: c.3546T>C, p.Val1182= (NM_001281492.2); c.3030T>C, p.Val1010= (NM_001281493.2, NM_001281494.2).
Identifiers: ClinVar variation 89484 (VCV000089484.53), dbSNP rs61753796, ClinGen allele CA014739.
Genomic context (GRCh38, chr2:47,806,586, plus strand): 5'-AGCTTGTCCTAAAAGCTATGGCTTTAATGCAGCAAGGCTTGCTAATCTCCCAGAGGAAGT[T>C]ATTCAAAAGGGACATAGAAAAGCAAGAGAATTTGAGAAGATGAATCAGTCACTACGATTA-3'
Protein context (NP_000170.1, residues 1302-1322): AARLANLPEE[Val1312=]IQKGHRKARE

ClinVar aggregate classification (germline): Benign/Likely benign. Review status: criteria provided, multiple submitters, no conflicts (2 of 4 stars). 10 submissions from 10 submitters: Benign (2); Likely benign (7). 1 of the submissions does not count toward it. Last evaluated 2026-01-16.

Conditions:
Hereditary nonpolyposis colon cancer (HNPCC). Also called: Hereditary Nonpolyposis Colorectal Cancer Syndrome; Hereditary nonpolyposis colorectal cancer; Familial nonpolyposis colon cancer. Identifiers: Orphanet 443909, MedGen C1333990, MONDO:0018630. Disease mechanism: loss of function.
Hereditary nonpolyposis colorectal neoplasms. Identifiers: MedGen C0009405, MeSH D003123.
Hereditary cancer-predisposing syndrome. Also called: Hereditary Cancer Syndrome; Tumor predisposition; Neoplastic Syndromes, Hereditary; Hereditary neoplastic syndrome. Identifiers: Orphanet 140162, MedGen C0027672, MeSH D009386, MONDO:0015356.
Lynch syndrome. Identifiers: Orphanet 144, MedGen C4552100, MONDO:0005835. Disease mechanism: loss of function.
Lynch syndrome 5 (LYNCH5). Also called: Hereditary non-polyposis colorectal cancer, type 5; Colorectal cancer, hereditary nonpolyposis, type 5. Identifiers: Orphanet 144, MedGen C1833477, MONDO:0013710, OMIM 614350. Disease mechanism: loss of function.

Allele frequency attached by ClinVar (database versions not stated): gnomAD exomes 0.00001; TOPMed 0.00003; ESP Exome Variant Server 0.00008.
gnomAD v4.1: 18 of 1,613,638 alleles (0.0011%); highest among the groups gnomAD compares: Middle Eastern, 0.082%; no homozygotes.

Submissions (10):

Labcorp Genetics (formerly Invitae), Labcorp
Classification: Likely benign for Hereditary nonpolyposis colorectal neoplasms. Last evaluated: 2026-01-16. Review status: criteria provided, single submitter. Criteria: Invitae Variant Classification Sherloc (09022015). Collection method: clinical testing. Allele origin: germline.

Blueprint Genetics
Classification: Likely benign. Last evaluated: 2024-09-25. Review status: criteria provided, single submitter. Criteria: ACMG Guidelines, 2015. Collection method: clinical testing. Allele origin: germline.

CeGaT Center for Human Genetics Tuebingen
Classification: Likely benign. Last evaluated: 2024-03-01. Review status: criteria provided, single submitter. Criteria: CeGaT Center For Human Genetics Tuebingen Variant Classification Criteria Version 2. Collection method: clinical testing. Allele origin: germline. Affected: yes. Observed: 2 variant alleles.
Comment: MSH6: BP4, BP7

All of Us Research Program, National Institutes of Health
Classification: Likely benign for Lynch syndrome. Last evaluated: 2023-12-13. Review status: criteria provided, single submitter. Criteria: ACMG Guidelines, 2015. Collection method: clinical testing. Allele origin: germline. Inheritance: Autosomal dominant inheritance. Observed: 4 variant alleles, 4 heterozygotes.
Comment: This study involves interpretation of variants in research participants for the purpose of population health screening. Participant phenotype was not available at the time of variant classification. Additional details can be found in publication PMID: 35346344, PMCID: PMC8962531

Mendelics
Classification: Benign for Hereditary nonpolyposis colon cancer. Last evaluated: 2023-08-22. Review status: criteria provided, single submitter. Criteria: Mendelics Assertion Criteria 2019. Collection method: clinical testing. Allele origin: germline.

Myriad Genetics, Inc.
Classification: Benign for Lynch syndrome 5. Last evaluated: 2023-03-29. Review status: criteria provided, single submitter. Criteria: Myriad Autosomal Dominant, Autosomal Recessive and X-Linked Classification Criteria (2023). Collection method: clinical testing. Allele origin: unknown.
Comment: This variant is considered benign. This variant is a silent/synonymous amino acid change and it is not expected to impact splicing.

GeneDx
Classification: Likely benign. Last evaluated: 2020-09-16. Review status: criteria provided, single submitter. Criteria: GeneDx Variant Classification Process June 2021. Collection method: clinical testing. Allele origin: germline. Affected: yes.
Comment: Not observed at a significant frequency in large population cohorts (Lek et al., 2016)

Color Diagnostics, LLC DBA Color Health
Classification: Likely benign for Hereditary cancer-predisposing syndrome. Last evaluated: 2018-05-08. Review status: criteria provided, single submitter. Criteria: ACMG Guidelines, 2015. Collection method: clinical testing. Allele origin: germline.

Ambry Genetics
Classification: Likely benign for Hereditary cancer-predisposing syndrome. Last evaluated: 2015-09-13. Review status: criteria provided, single submitter. Criteria: Ambry Variant Classification Scheme 2023. Collection method: clinical testing. Allele origin: germline.

Counsyl
Classification: Likely benign for Lynch syndrome 5. Last evaluated: 2017-11-08. Review status: no assertion criteria provided. Collection method: clinical testing. Allele origin: unknown. Not counted in ClinVar's aggregate classification.